The following is an entry in ClinVar:

ClinVar aggregate classification (germline): Uncertain significance. Review status: criteria provided, multiple submitters, no conflicts (2 of 4 stars). 2 submissions from 2 submitters: Uncertain significance (2). Last evaluated 2025-08-30.

Conditions:
Developmental and epileptic encephalopathy, 42 (DEE42A). Also called: DEVELOPMENTAL AND EPILEPTIC ENCEPHALOPATHY 42A; EPILEPTIC ENCEPHALOPATHY, EARLY INFANTILE, 42A; Epileptic encephalopathy, early infantile, 42. Identifiers: MedGen C4310716, MONDO:0014917, OMIM 617106.
Episodic ataxia type 2 (EA2). Also called: ACETAZOLAMIDE-RESPONSIVE HEREDITARY PAROXYSMAL CEREBELLAR ATAXIA; ATAXIA, EPISODIC, WITH NYSTAGMUS; ATAXIA, FAMILIAL PAROXYSMAL; CEREBELLAR ATAXIA, PAROXYSMAL, ACETAZOLAMIDE-RESPONSIVE; CEREBELLOPATHY, HEREDITARY PAROXYSMAL; EPISODIC ATAXIA, NYSTAGMUS-ASSOCIATED. Identifiers: Orphanet 97, MedGen C1720416, MONDO:0007163, OMIM 108500.

Submissions (2):

Labcorp Genetics (formerly Invitae), Labcorp
Classification: Uncertain significance for Developmental and epileptic encephalopathy, 42; Episodic ataxia type 2. Last evaluated: 2025-08-30. Review status: criteria provided, single submitter. Criteria: Invitae Variant Classification Sherloc (09022015). Collection method: clinical testing. Allele origin: germline.
Comment: This variant, c.2977_2988del, results in the deletion of 4 amino acid(s) of the CACNA1A protein (p.Glu993_Gly996del), but otherwise preserves the integrity of the reading frame. This variant is not present in population databases (gnomAD no frequency). This variant has not been reported in the literature in individuals affected with CACNA1A-related conditions. ClinVar contains an entry for this variant (Variation ID: 476248). Experimental studies and prediction algorithms are not available or were not evaluated, and the functional significance of this variant is currently unknown. In summary, the available evidence is currently insufficient to determine the role of this variant in disease. Therefore, it has been classified as a Variant of Uncertain Significance.

GeneDx
Classification: Uncertain significance. Last evaluated: 2021-05-04. Review status: criteria provided, single submitter. Criteria: GeneDx Variant Classification Process June 2021. Collection method: clinical testing. Allele origin: germline. Affected: yes.
Comment: Has not been previously published as pathogenic or benign to our knowledge; Not observed in large population cohorts (Lek et al., 2016); In-frame deletion of 4 amino acids in a non-repeat region; In silico analysis supports a deleterious effect on protein structure/function

NM_001127222.2(CACNA1A):c.2968GAGGGC[1] (p.990EG[1])

Gene: CACNA1A (calcium voltage-gated channel subunit alpha1 A; minus strand). Cytogenetic location: 19p13.13.
Variant type: Microsatellite.
Coding change: c.2968GAGGGC[1] on transcript NM_001127222.2 (MANE Select); one copy of the 6-base unit GAGGGC starting at c.2968; the reference has three copies in a row; two copies, 12 bases deleted.
Protein change: p.990EG[1].
Molecular consequence: inframe deletion.
Genome position (GRCh38, 1-based): chr19:13,298,648-13,298,659, GCCCTCGCCCTC deleted on the plus strand (GAGGGCGAGGGC on the coding strand, the reverse complement: CACNA1A is on the minus strand); deleting any 12 consecutive bases within chr19:13,298,648-13,298,668 gives the same sequence; the position shown is the placement nearest the transcript's 3' end. VCF-style (leftmost placement, unchanged base first): chr19-13298647-GGCCCTCGCCCTC-G. GRCh37 (hg19) VCF-style: chr19-13409461-GGCCCTCGCCCTC-G.
Other names: c.2977_2988delGAGGGCGAGGGC (NM_001127221.1); c.2980GAGGGC[1], p.994EG[1] (NM_000068.4, NM_023035.3); c.2971GAGGGC[1], p.991EG[1] (NM_001127221.2, NM_001174080.2).
Identifiers: ClinVar variation 476248 (VCV000476248.12), dbSNP rs764399373, ClinGen allele CA658658785.
Genomic context (GRCh38, chr19:13,298,647, plus strand): 5'-CCCCCTCGTACGTGGCTGGAGCGCCATGCCGGTGCCTTCTCCTGCGCTCGCCCCCGTCGG[GGCCCTCGCCCTC>G]GCCCTCGCCGCCCCGGGCCGGCCGGCTGCCCTCGCGGTGCCGCGCCCTCCGCTCCGCCTT-3'